The following is an entry in ClinVar:

NM_024529.5(CDC73):c.-2A>G

Gene: CDC73 (cell division cycle 73; plus strand). Cytogenetic location: 1q31.2.
Variant type: single nucleotide variant.
Coding change: c.-2A>G on transcript NM_024529.5 (MANE Select); 2 bases upstream of the start codon, A replaced by G.
Molecular consequence: 5 prime UTR variant.
Genome position (GRCh38, 1-based): chr1:193,122,199, A>G. VCF-style: chr1-193122199-A-G. GRCh37 (hg19) VCF-style: chr1-193091329-A-G.
Identifiers: ClinVar variation 822502 (VCV000822502.6), dbSNP rs1572139644, ClinGen allele CA915941920.

ClinVar aggregate classification (germline): Uncertain significance. Review status: criteria provided, multiple submitters, no conflicts (2 of 4 stars). 2 submissions from 2 submitters: Uncertain significance (2). Last evaluated 2024-09-23.

Conditions:
Hyperparathyroidism 1 (HRPT1). Also called: HYPERPARATHYROIDISM, FAMILIAL ISOLATED PRIMARY. Identifiers: Orphanet 99879, MedGen C1840402, MONDO:0007767, OMIM 145000.
Hyperparathyroidism 2 with jaw tumors. Also called: Hyperparathyroidism-Jaw Tumor Syndrome; Hyperparathyroidism 2; HYPERPARATHYROIDISM, FAMILIAL PRIMARY, WITH MULTIPLE OSSIFYING JAW FIBROMAS; HYPERPARATHYROIDISM-JAW TUMOR SYNDROME, HEREDITARY. Identifiers: Orphanet 99880, MedGen C1704981, MONDO:0007768, OMIM 145001.
Parathyroid carcinoma (PRTC). Also called: CDC73-Related Parathyroid Carcinoma; Parathyroid gland carcinoma. Identifiers: Orphanet 143, MedGen C0687150, MONDO:0012004, OMIM 608266, HP:0006780.
Hereditary cancer-predisposing syndrome. Also called: Hereditary Cancer Syndrome; Neoplastic Syndromes, Hereditary; Hereditary neoplastic syndrome; Tumor predisposition. Identifiers: Orphanet 140162, MedGen C0027672, MeSH D009386, MONDO:0015356.

Submissions (2):

Ambry Genetics
Classification: Uncertain significance for Hereditary cancer-predisposing syndrome. Last evaluated: 2024-09-23. Review status: criteria provided, single submitter. Criteria: Ambry Variant Classification Scheme 2023. Collection method: clinical testing. Allele origin: germline.
Comment: The c.-2A>G variant is located in the 5' untranslated region (5&rsquo; UTR) of the CDC73 gene. This variant results from an A to G substitution 2 bases upstream from the first translated codon. This nucleotide position is highly conserved in available vertebrate species. Based on the available evidence, the clinical significance of this variant remains unclear.

Fulgent Genetics
Classification: Uncertain significance for Hyperparathyroidism 1; Hyperparathyroidism 2 with jaw tumors; Parathyroid carcinoma. Last evaluated: 2024-03-13. Review status: criteria provided, single submitter. Criteria: ACMG Guidelines, 2015. Collection method: clinical testing. Allele origin: germline.